The following is an entry in ClinVar:

ClinVar aggregate classification (germline): Pathogenic. Review status: criteria provided, multiple submitters, no conflicts (2 of 4 stars). 2 submissions from 2 submitters: Pathogenic (2). Last evaluated 2025-12-08.

Conditions:
Familial adenomatous polyposis 2. Also called: FAP type 2; MUTYH-related attenuated familial adenomatous polyposis; MUTYH-associated polyposis; COLORECTAL ADENOMATOUS POLYPOSIS, AUTOSOMAL RECESSIVE; ADENOMAS, MULTIPLE COLORECTAL, AUTOSOMAL RECESSIVE; MUTYH Polyposis. Identifiers: Orphanet 220460, Orphanet 247798, MedGen C3272841, MONDO:0012041, OMIM 608456.
Hereditary cancer-predisposing syndrome. Also called: Hereditary neoplastic syndrome; Neoplastic Syndromes, Hereditary; Hereditary Cancer Syndrome; Tumor predisposition. Identifiers: Orphanet 140162, MedGen C0027672, MeSH D009386, MONDO:0015356.

Submissions (2):

Ambry Genetics
Classification: Pathogenic for Hereditary cancer-predisposing syndrome. Last evaluated: 2025-12-08. Review status: criteria provided, single submitter. Criteria: Ambry Variant Classification Scheme 2023. Collection method: clinical testing. Allele origin: germline.
Comment: The c.260_261insGG pathogenic mutation, located in coding exon 3 of the MUTYH gene, results from an insertion of two nucleotides at position 260, causing a translational frameshift with a predicted alternate stop codon (p.F87Lfs*5). This variant is considered to be rare based on population cohorts in the Genome Aggregation Database (gnomAD). This alteration is expected to result in loss of function by premature protein truncation or nonsense-mediated mRNA decay. As such, this alteration is interpreted as a disease-causing mutation.

Myriad Genetics, Inc.
Classification: Pathogenic for Familial adenomatous polyposis 2. Last evaluated: 2025-03-27. Review status: criteria provided, single submitter. Criteria: Myriad Autosomal Dominant, Autosomal Recessive and X-Linked Classification Criteria (2023). Collection method: clinical testing. Allele origin: unknown.
Comment: This variant is considered pathogenic. This variant creates a frameshift predicted to result in premature protein truncation.

NM_001048174.2(MUTYH):c.176_177insGG (p.Phe59fs)

Gene: MUTYH (mutY DNA glycosylase; minus strand). Cytogenetic location: 1p34.1.
Variant type: Insertion.
Coding change: c.176_177insGG on transcript NM_001048174.2 (MANE Select); coding-DNA positions 176 to 177, GG inserted.
Protein change: p.Phe59fs; shifts the reading frame from phenylalanine 59.
Molecular consequence: frameshift variant. On other transcripts: 5 prime UTR variant (1), non-coding transcript variant (5), intron variant (5).
Genome position: GRCh38 VCF-style: chr1-45333500-G-GCC. GRCh37 (hg19) VCF-style: chr1-45799172-G-GCC.
Other names: c.176_177insGG, p.Phe59fs (NM_001048171.2, NM_001048173.2, NM_001293195.2 and 6 more transcripts); c.179_180insGG, p.Phe60fs (NM_001048172.2, NM_001407071.1, NM_001407078.1 and 2 more transcripts); c.260_261insGG, p.Phe87fs (NM_001128425.2); c.221_222insGG, p.Phe74fs (NM_001293190.2); c.209_210insGG, p.Phe70fs (NM_001293191.2, NM_001407077.1); c.-96_-95insGG (NM_001350650.2); c.251_252insGG, p.Phe84fs (NM_001407069.1, NM_012222.3); c.218_219insGG, p.Phe73fs (NM_001407073.1, NM_001407083.1, NM_001407085.1); and 4 more; short protein forms F31fs, F59fs, F60fs, F66fs, F70fs, F73fs, F74fs, F84fs.
Identifiers: ClinVar variation 3904751 (VCV003904751.2).